The following is an entry in ClinVar:

ClinVar aggregate classification (germline): Conflicting classifications of pathogenicity. Review status: criteria provided, conflicting classifications (1 of 4 stars). 3 submissions from 3 submitters: Uncertain significance (1); Likely benign (2). Last evaluated 2024-11-04.

Conditions:
Cardiovascular phenotype. Identifiers: MedGen CN230736.
Long QT syndrome (LQTS). Identifiers: MedGen C0023976, MeSH D008133, MONDO:0002442. Disease mechanism: loss of function. Inheritance: Various modes of inheritance.

Allele frequency attached by ClinVar (database versions not stated): ExAC 0.00002; gnomAD 0.00003 and 0.00004; gnomAD exomes 0.00004; TOPMed 0.00005; ESP Exome Variant Server 0.00015.
gnomAD v4.1: 54 of 1,613,702 alleles (0.0033%); highest among the groups gnomAD compares: Non-Finnish European, 0.0025%; no homozygotes.

Submissions (3):

Labcorp Genetics (formerly Invitae), Labcorp
Classification: Uncertain significance for Long QT syndrome. Last evaluated: 2024-11-04. Review status: criteria provided, single submitter. Criteria: Invitae Variant Classification Sherloc (09022015). Collection method: clinical testing. Allele origin: germline.
Comment: This sequence change replaces alanine, which is neutral and non-polar, with valine, which is neutral and non-polar, at codon 561 of the AKAP9 protein (p.Ala561Val). This variant is present in population databases (rs149162273, gnomAD 0.05%). This variant has not been reported in the literature in individuals affected with AKAP9-related conditions. ClinVar contains an entry for this variant (Variation ID: 966865). An algorithm developed to predict the effect of missense changes on protein structure and function (PolyPhen-2) suggests that this variant is likely to be disruptive. In summary, the available evidence is currently insufficient to determine the role of this variant in disease. Therefore, it has been classified as a Variant of Uncertain Significance.

Women's Health and Genetics/Laboratory Corporation of America, LabCorp
Classification: Likely benign. Last evaluated: 2024-06-24. Review status: criteria provided, single submitter. Criteria: LabCorp Variant Classification Summary - May 2015. Collection method: clinical testing. Allele origin: germline.

Ambry Genetics
Classification: Likely benign for Cardiovascular phenotype. Last evaluated: 2023-10-26. Review status: criteria provided, single submitter. Criteria: Ambry Variant Classification Scheme 2023. Collection method: clinical testing. Allele origin: germline.

NM_005751.5(AKAP9):c.1682C>T (p.Ala561Val)

Gene: AKAP9 (A-kinase anchoring protein 9; plus strand). Cytogenetic location: 7q21.2.
Variant type: single nucleotide variant.
Coding change: c.1682C>T on transcript NM_005751.5 (MANE Select); coding-DNA position 1682, C replaced by T.
Protein change: p.Ala561Val; replaces alanine 561 with valine.
Molecular consequence: missense variant.
Genome position (GRCh38, 1-based): chr7:92,001,599, C>T. VCF-style: chr7-92001599-C-T. GRCh37 (hg19) VCF-style: chr7-91630913-C-T.
Other names: c.1682C>T, p.Ala561Val (NM_147185.3); short protein forms A561V.
Identifiers: ClinVar variation 966865 (VCV000966865.11), dbSNP rs149162273, ClinGen allele CA4336046.